The following is an entry in ClinVar:

ClinVar aggregate classification (germline): Uncertain significance (1 of 4 stars; one submission).

Conditions:
RFT1-congenital disorder of glycosylation (CDG1N). Also called: Congenital disorder of glycosylation type In; RFT1-CDG; CDG In. Identifiers: Orphanet 244310, MedGen C2677590, MONDO:0012783, OMIM 612015.

Allele frequency attached by ClinVar (database versions not stated): gnomAD 0.00003 and 0.00004; TOPMed 0.00007.
gnomAD v4.1: 75 of 1,613,796 alleles (0.0046%); highest among the groups gnomAD compares: Non-Finnish European, 0.0059%; no homozygotes.

Submission:

Labcorp Genetics (formerly Invitae), Labcorp
Classification: Uncertain significance for RFT1-congenital disorder of glycosylation. Last evaluated: 2022-09-27. Review status: criteria provided, single submitter. Criteria: Invitae Variant Classification Sherloc (09022015). Collection method: clinical testing. Allele origin: germline.
Comment: This sequence change replaces proline, which is neutral and non-polar, with threonine, which is neutral and polar, at codon 138 of the RFT1 protein (p.Pro138Thr). This variant is present in population databases (no rsID available, gnomAD 0.003%). This variant has not been reported in the literature in individuals affected with RFT1-related conditions. ClinVar contains an entry for this variant (Variation ID: 565314). Advanced modeling of protein sequence and biophysical properties (such as structural, functional, and spatial information, amino acid conservation, physicochemical variation, residue mobility, and thermodynamic stability) performed at Invitae indicates that this missense variant is expected to disrupt RFT1 protein function. In summary, the available evidence is currently insufficient to determine the role of this variant in disease. Therefore, it has been classified as a Variant of Uncertain Significance.

NM_052859.4(RFT1):c.412C>A (p.Pro138Thr)

Gene: RFT1 (RFT1 glycolipid translocator homolog; minus strand). Cytogenetic location: 3p21.1.
Variant type: single nucleotide variant.
Coding change: c.412C>A on transcript NM_052859.4 (MANE Select); coding-DNA position 412, C replaced by A.
Protein change: p.Pro138Thr; replaces proline 138 with threonine.
Molecular consequence: missense variant.
Genome position (GRCh38, 1-based): chr3:53,122,418, G>T on the plus strand (C>A on the coding strand, the complement: RFT1 is on the minus strand). VCF-style: chr3-53122418-G-T. GRCh37 (hg19) VCF-style: chr3-53156434-G-T.
Other names: short protein forms P138T.
Identifiers: ClinVar variation 565314 (VCV000565314.3), dbSNP rs1045604063, ClinGen allele CA74813313.